The following is an entry in ClinVar:

NM_014140.4(SMARCAL1):c.649A>C (p.Arg217=)

Gene: SMARCAL1 (SNF2 related chromatin remodeling annealing helicase 1; plus strand). Cytogenetic location: 2q35.
Variant type: single nucleotide variant.
Coding change: c.649A>C on transcript NM_014140.4 (MANE Select); coding-DNA position 649, A replaced by C.
Protein change: p.Arg217=; no amino-acid change (arginine 217 retained).
Molecular consequence: synonymous variant.
Genome position (GRCh38, 1-based): chr2:216,415,353, A>C. VCF-style: chr2-216415353-A-C. GRCh37 (hg19) VCF-style: chr2-217280076-A-C.
Other names: c.649A>C, p.Arg217= (NM_001127207.2).
Identifiers: ClinVar variation 2651871 (VCV002651871.24), dbSNP rs544173171, ClinGen allele CA431403016.

ClinVar aggregate classification (germline): Likely benign (1 of 4 stars; one submission).

Submission:

CeGaT Center for Human Genetics Tuebingen
Classification: Likely benign. Last evaluated: 2022-09-01. Review status: criteria provided, single submitter. Criteria: CeGaT Center For Human Genetics Tuebingen Variant Classification Criteria Version 2. Collection method: clinical testing. Allele origin: germline. Affected: yes. Observed: 1 variant allele.
Comment: SMARCAL1: PM2:Supporting, BP4, BP7